The following is an entry in ClinVar:

NM_024642.5(GALNT12):c.973C>T (p.Leu325=)

Gene: GALNT12 (polypeptide N-acetylgalactosaminyltransferase 12; plus strand). Cytogenetic location: 9q22.33.
Variant type: single nucleotide variant.
Coding change: c.973C>T on transcript NM_024642.5 (MANE Select); coding-DNA position 973, C replaced by T.
Protein change: p.Leu325=; no amino-acid change (leucine 325 retained).
Molecular consequence: synonymous variant.
Genome position (GRCh38, 1-based): chr9:98,835,304, C>T. VCF-style: chr9-98835304-C-T. GRCh37 (hg19) VCF-style: chr9-101597586-C-T.
Identifiers: ClinVar variation 1768047 (VCV001768047.3), dbSNP rs1836112151, ClinGen allele CA466424941.

ClinVar aggregate classification (germline): Benign/Likely benign. Review status: criteria provided, multiple submitters, no conflicts (2 of 4 stars). 2 submissions from 2 submitters: Benign (1); Likely benign (1). Last evaluated 2026-09-11.

Conditions:
Colorectal cancer, susceptibility to, 1. Also called: COLORECTAL ADENOMA AND CANCER, SUSCEPTIBILITY TO; COLORECTAL CANCER, SUSCEPTIBILITY TO, ON CHROMOSOME 9. Identifiers: MedGen C1837315, MONDO:0012132, OMIM 608812.

Submissions (2):

Myriad Genetics, Inc.
Classification: Benign for Colorectal cancer, susceptibility to, 1. Last evaluated: 2026-09-11. Review status: criteria provided, single submitter. Criteria: Myriad Autosomal Dominant, Autosomal Recessive and X-Linked Classification Criteria (2023). Collection method: clinical testing. Allele origin: unknown.
Comment: This variant is considered benign. This variant is a silent/synonymous amino acid change and it is not expected to impact splicing.

Ambry Genetics
Classification: Likely benign. Last evaluated: 2020-08-07. Review status: criteria provided, single submitter. Criteria: Ambry Variant Classification Scheme 2023. Collection method: clinical testing. Allele origin: germline.